The following is an entry in ClinVar:

NM_032638.5(GATA2):c.424C>T (p.Pro142Ser)

Gene: GATA2 (GATA binding protein 2; minus strand). Cytogenetic location: 3q21.3.
Variant type: single nucleotide variant.
Coding change: c.424C>T on transcript NM_032638.5 (MANE Select); coding-DNA position 424, C replaced by T.
Protein change: p.Pro142Ser; replaces proline 142 with serine.
Molecular consequence: missense variant.
Genome position (GRCh38, 1-based): chr3:128,486,174, G>A on the plus strand (C>T on the coding strand, the complement: GATA2 is on the minus strand). VCF-style: chr3-128486174-G-A. GRCh37 (hg19) VCF-style: chr3-128205017-G-A.
Other names: c.424C>T, p.Pro142Ser (NM_001145661.2, NM_001145662.1); c.424C>T (NM_001145661.1); short protein forms P142S.
Identifiers: ClinVar variation 1373311 (VCV001373311.10), dbSNP rs2068696200, ClinGen allele CA354406798.
Genomic context (GRCh38, chr3:128,486,174, plus strand): 5'-TAGGGGTGAGGGAGGCCACTGAGCTCCCGCTGCCTCCCCCGCTCCCACCCCCAGCCCCTG[G>A]GTACACAGAGAGTGGGCCTCCAGGGCCTCCAGCAGCTGAGGGGTGCAGTGGCGTCTTGGA-3'
Protein context (NP_116027.2, residues 132-152): GGPGGPLSVY[Pro142Ser]GAGGGSGGGS

ClinVar aggregate classification (germline): Uncertain significance. Review status: criteria provided, multiple submitters, no conflicts (2 of 4 stars). 3 submissions from 3 submitters: Uncertain significance (3). Last evaluated 2026-07-06.

Conditions:
Acute myeloid leukemia (AML). Also called: Leukemia, acute myeloid, somatic; Leukemia, acute myelogenous, somatic; Acute myeloid leukemia, adult; AML adult; Acute non-lymphocytic leukemia; Acute granulocytic leukemia. Identifiers: Orphanet 519, MedGen C0023467, MeSH D015470, MONDO:0018874, OMIM 601626, HP:0004808. Disease mechanism: Constitutively activated FLT3.
Inborn genetic diseases. Identifiers: MedGen C0950123, MeSH D030342.
Monocytopenia with susceptibility to infections. Also called: MONOCYTOPENIA AND MYCOBACTERIAL INFECTION SYNDROME; MONOCYTOPENIA WITH SUSCEPTIBILITY TO MYCOBACTERIAL, FUNGAL, AND PAPILLOMAVIRUS INFECTIONS AND MYELODYSPLASIA; COMBINED IMMUNODEFICIENCY WITH SUSCEPTIBILITY TO MYCOBACTERIAL, VIRAL, AND FUNGAL INFECTIONS; GATA2 DEFICIENCY; Dendritic cell, monocyte, B lymphocyte, and natural killer lymphocyte deficiency; IMMUNODEFICIENCY 21. Identifiers: Orphanet 228423, MedGen C3280030, MONDO:0013607, OMIM 614172.
Deafness-lymphedema-leukemia syndrome. Also called: Lymphedema, primary, with myelodysplasia; Emberger syndrome. Identifiers: Orphanet 3226, MedGen C3279664, MONDO:0013540, OMIM 614038.

Submissions (3):

Ambry Genetics
Classification: Uncertain significance for Inborn genetic diseases. Last evaluated: 2026-07-06. Review status: criteria provided, single submitter. Criteria: Ambry Variant Classification Scheme 2023. Collection method: clinical testing. Allele origin: germline.
Comment: The p.P142S variant (also known as c.424C>T), located in coding exon 2 of the GATA2 gene, results from a C to T substitution at nucleotide position 424. The proline at codon 142 is replaced by serine, an amino acid with similar properties. This amino acid position is conserved. In addition, the in silico prediction for this alteration is inconclusive. Based on the available evidence, the clinical significance of this variant remains unclear.

Baylor Genetics
Classification: Uncertain significance for Acute myeloid leukemia. Last evaluated: 2023-07-15. Review status: criteria provided, single submitter. Criteria: ACMG Guidelines, 2015. Collection method: clinical testing. Allele origin: unknown.

Labcorp Genetics (formerly Invitae), Labcorp
Classification: Uncertain significance for Monocytopenia with susceptibility to infections; Deafness-lymphedema-leukemia syndrome. Last evaluated: 2021-03-10. Review status: criteria provided, single submitter. Criteria: Invitae Variant Classification Sherloc (09022015). Collection method: clinical testing. Allele origin: germline.
Comment: This sequence change replaces proline with serine at codon 142 of the GATA2 protein (p.Pro142Ser). The proline residue is weakly conserved and there is a moderate physicochemical difference between proline and serine. This variant is not present in population databases (ExAC no frequency). This variant has not been reported in the literature in individuals with GATA2-related conditions. Advanced modeling of protein sequence and biophysical properties (such as structural, functional, and spatial information, amino acid conservation, physicochemical variation, residue mobility, and thermodynamic stability) performed at Invitae indicates that this missense variant is not expected to disrupt GATA2 protein function. In summary, the available evidence is currently insufficient to determine the role of this variant in disease. Therefore, it has been classified as a Variant of Uncertain Significance.